The following is an entry in ClinVar:

ClinVar aggregate classification (germline): Uncertain significance. Review status: criteria provided, multiple submitters, no conflicts (2 of 4 stars). 2 submissions from 2 submitters: Uncertain significance (2). Last evaluated 2025-01-16.

Conditions:
Inborn genetic diseases. Identifiers: MedGen C0950123, MeSH D030342.

Allele frequency attached by ClinVar (database versions not stated): gnomAD exomes 0.00001.
gnomAD v4.1: 8 of 1,613,872 alleles (0.0005%); highest among the groups gnomAD compares: Non-Finnish European, 0.00068%; no homozygotes.

Submissions (2):

Labcorp Genetics (formerly Invitae), Labcorp
Classification: Uncertain significance. Last evaluated: 2025-01-16. Review status: criteria provided, single submitter. Criteria: Invitae Variant Classification Sherloc (09022015). Collection method: clinical testing. Allele origin: germline.
Comment: This sequence change replaces glycine, which is neutral and non-polar, with valine, which is neutral and non-polar, at codon 2275 of the ATR protein (p.Gly2275Val). This variant is not present in population databases (gnomAD no frequency). This variant has not been reported in the literature in individuals affected with ATR-related conditions. ClinVar contains an entry for this variant (Variation ID: 2613831). An algorithm developed to predict the effect of missense changes on protein structure and function (PolyPhen-2) suggests that this variant is likely to be disruptive. In summary, the available evidence is currently insufficient to determine the role of this variant in disease. Therefore, it has been classified as a Variant of Uncertain Significance.

Ambry Genetics
Classification: Uncertain significance for Inborn genetic diseases. Last evaluated: 2023-06-21. Review status: criteria provided, single submitter. Criteria: Ambry Variant Classification Scheme 2023. Collection method: clinical testing. Allele origin: germline.
Comment: The p.G2275V variant (also known as c.6824G>T), located in coding exon 40 of the ATR gene, results from a G to T substitution at nucleotide position 6824. The glycine at codon 2275 is replaced by valine, an amino acid with dissimilar properties. This amino acid position is conserved. In addition, the in silico prediction for this alteration is inconclusive. Since supporting evidence is limited at this time, the clinical significance of this alteration remains unclear.

NM_001184.4(ATR):c.6824G>T (p.Gly2275Val)

Gene: ATR (ATR checkpoint kinase; minus strand). Cytogenetic location: 3q23.
Variant type: single nucleotide variant.
Coding change: c.6824G>T on transcript NM_001184.4 (MANE Select); coding-DNA position 6824, G replaced by T.
Protein change: p.Gly2275Val; replaces glycine 2275 with valine.
Molecular consequence: missense variant.
Genome position (GRCh38, 1-based): chr3:142,466,397, C>A on the plus strand (G>T on the coding strand, the complement: ATR is on the minus strand). VCF-style: chr3-142466397-C-A. GRCh37 (hg19) VCF-style: chr3-142185239-C-A.
Other names: c.6632G>T, p.Gly2211Val (NM_001354579.2); short protein forms G2211V, G2275V.
Identifiers: ClinVar variation 2613831 (VCV002613831.4), dbSNP rs1577507480, ClinGen allele CA354801553.
Genomic context (GRCh38, chr3:142,466,397, plus strand): 5'-CCTGCAATATAGGCCCAATGTCCAGGAAATGGTTCATGGCTAGCATGGTTAGCATGGGTA[C>A]CCAGAATTGATGGAAGTGTAGGTATCATGACTGATTGTAGAGGAATGAGGATTTCACTAA-3'
Protein context (NP_001175.2, residues 2265-2285): VMIPTLPSIL[Gly2275Val]THANHASHEP